The following is an entry in ClinVar:

NM_021954.4(GJA3):c.3G>A (p.Met1Ile)

Gene: GJA3 (gap junction protein alpha 3; minus strand). Cytogenetic location: 13q12.11.
Variant type: single nucleotide variant.
Coding change: c.3G>A on transcript NM_021954.4 (MANE Select); coding-DNA position 3, G replaced by A.
Protein change: p.Met1Ile; changes the start codon (methionine 1).
Molecular consequence: missense variant, initiator codon variant.
Genome position (GRCh38, 1-based): chr13:20,143,286, C>T on the plus strand (G>A on the coding strand, the complement: GJA3 is on the minus strand). VCF-style: chr13-20143286-C-T. GRCh37 (hg19) VCF-style: chr13-20717425-C-T.
Other names: short protein forms M1I.
Identifiers: ClinVar variation 5009417 (VCV005009417.1).

ClinVar aggregate classification (germline): Uncertain significance (1 of 4 stars; one submission).

Submission:

GeneDx
Classification: Uncertain significance. Last evaluated: 2026-03-18. Review status: criteria provided, single submitter. Criteria: GeneDx Variant Classification Process June 2021. Collection method: clinical testing. Allele origin: germline.
Comment: Not observed at significant frequency in large population cohorts (gnomAD); Has not been previously published as pathogenic or benign to our knowledge; Initiation codon variant in a gene with an unclear effect on protein function